The following is an entry in ClinVar:

NM_006642.5(SDCCAG8):c.649G>A (p.Ala217Thr)

Gene: SDCCAG8 (SHH signaling and ciliogenesis regulator SDCCAG8; plus strand). Cytogenetic location: 1q43.
Variant type: single nucleotide variant.
Coding change: c.649G>A on transcript NM_006642.5 (MANE Select); coding-DNA position 649, G replaced by A.
Protein change: p.Ala217Thr; replaces alanine 217 with threonine.
Molecular consequence: missense variant. On other transcripts: 5 prime UTR variant (3).
Genome position (GRCh38, 1-based): chr1:243,293,193, G>A. VCF-style: chr1-243293193-G-A. GRCh37 (hg19) VCF-style: chr1-243456495-G-A.
Other names: c.-464G>A (NM_001350246.2); c.-352G>A (NM_001350247.2); c.649G>A, p.Ala217Thr (NM_001350248.2); c.355G>A, p.Ala119Thr (NM_001350249.2); c.-725G>A (NM_001350251.2); short protein forms A119T, A217T.
Identifiers: ClinVar variation 3350625 (VCV003350625.1).
Genomic context (GRCh38, chr1:243,293,193, plus strand): 5'-GGGGTGGGCGAAACCTCCAAAAGACCATTTTCCCATGACAATGCAGATTTTGGCAAAGCT[G>A]CATCTGCTGGTGAGCAGCTAGAACTGGTGAGTATTTGGGTGCTTTTCTCTTATACATCTT-3'
Protein context (NP_006633.1, residues 207-227): SHDNADFGKA[Ala217Thr]SAGEQLELEK

ClinVar aggregate classification (germline): Uncertain significance (0 of 4 stars; one submission).

Conditions:
SDCCAG8-related disorder. Also called: SDCCAG8-Related Disorders; SDCCAG8-related condition.

Submission:

PreventionGenetics, part of Exact Sciences
Classification: Uncertain significance for SDCCAG8-related condition. Last evaluated: 2023-12-12. Review status: no assertion criteria provided. Collection method: clinical testing. Allele origin: germline.
Comment: The SDCCAG8 c.649G>A variant is predicted to result in the amino acid substitution p.Ala217Thr. To our knowledge, this variant has not been reported in the literature or in a large population database, indicating this variant is rare. At this time, the clinical significance of this variant is uncertain due to the absence of conclusive functional and genetic evidence.